The following is an entry in ClinVar:

ClinVar aggregate classification (germline): Uncertain significance (1 of 4 stars; one submission).

Conditions:
Early Myoclonic Encephalopathy. Identifiers: MedGen C0270855.

Submission:

Labcorp Genetics (formerly Invitae), Labcorp
Classification: Uncertain significance for Early Myoclonic Encephalopathy. Last evaluated: 2023-05-22. Review status: criteria provided, single submitter. Criteria: Invitae Variant Classification Sherloc (09022015). Collection method: clinical testing. Allele origin: germline.
Comment: In summary, the available evidence is currently insufficient to determine the role of this variant in disease. Therefore, it has been classified as a Variant of Uncertain Significance. Advanced modeling of protein sequence and biophysical properties (such as structural, functional, and spatial information, amino acid conservation, physicochemical variation, residue mobility, and thermodynamic stability) performed at Invitae indicates that this missense variant is not expected to disrupt JMJD1C protein function. This variant has not been reported in the literature in individuals affected with JMJD1C-related conditions. This variant is not present in population databases (gnomAD no frequency). This sequence change replaces lysine, which is basic and polar, with arginine, which is basic and polar, at codon 1339 of the JMJD1C protein (p.Lys1339Arg).

NM_032776.3(JMJD1C):c.4016A>G (p.Lys1339Arg)

Gene: JMJD1C (jumonji domain containing 1C; minus strand). Cytogenetic location: 10q21.3.
Variant type: single nucleotide variant.
Coding change: c.4016A>G on transcript NM_032776.3 (MANE Select); coding-DNA position 4016, A replaced by G.
Protein change: p.Lys1339Arg; replaces lysine 1339 with arginine.
Molecular consequence: missense variant. On other transcripts: non-coding transcript variant (1).
Genome position (GRCh38, 1-based): chr10:63,207,653, T>C on the plus strand (A>G on the coding strand, the complement: JMJD1C is on the minus strand). VCF-style: chr10-63207653-T-C. GRCh37 (hg19) VCF-style: chr10-64967413-T-C.
Other names: c.3470A>G, p.Lys1157Arg (NM_001282948.2, NM_001318154.2); c.3152A>G, p.Lys1051Arg (NM_001318153.2); c.3902A>G, p.Lys1301Arg (NM_001322252.2); c.3359A>G, p.Lys1120Arg (NM_001322254.2, NM_001322258.2); short protein forms K1051R, K1120R, K1339R, K1301R, K1157R.
Identifiers: ClinVar variation 1037259 (VCV001037259.8), dbSNP rs1846801051, ClinGen allele CA377038877.